The following is an entry in ClinVar:

NM_001384317.1(ZHX3):c.1229T>C (p.Leu410Pro)

Gene: ZHX3 (zinc fingers and homeoboxes 3; minus strand). Cytogenetic location: 20q12.
Variant type: single nucleotide variant.
Coding change: c.1229T>C on transcript NM_001384317.1 (MANE Select); coding-DNA position 1229, T replaced by C.
Protein change: p.Leu410Pro; replaces leucine 410 with proline.
Molecular consequence: missense variant.
Genome position (GRCh38, 1-based): chr20:41,203,688, A>G on the plus strand (T>C on the coding strand, the complement: ZHX3 is on the minus strand). VCF-style: chr20-41203688-A-G. GRCh37 (hg19) VCF-style: chr20-39832328-A-G.
Other names: c.1229T>C, p.Leu410Pro (NM_001384315.1, NM_001384316.1, NM_001384318.1 and 8 more transcripts); short protein forms L410P.
Identifiers: ClinVar variation 1505381 (VCV001505381.9), dbSNP rs144460022, ClinGen allele CA9859991.

ClinVar aggregate classification (germline): Uncertain significance. Review status: criteria provided, multiple submitters, no conflicts (2 of 4 stars). 2 submissions from 2 submitters: Uncertain significance (2). Last evaluated 2024-01-30.

Allele frequency attached by ClinVar (database versions not stated): ExAC 0.00014; gnomAD 0.00014 and 0.00015; gnomAD exomes 0.00017 and 0.00036; TOPMed 0.00019; ESP Exome Variant Server 0.00031.
gnomAD v4.1: 541 of 1,614,110 alleles (0.034%); highest among the groups gnomAD compares: Non-Finnish European, 0.043%; no homozygotes.

Submissions (2):

Labcorp Genetics (formerly Invitae), Labcorp
Classification: Uncertain significance. Last evaluated: 2024-01-30. Review status: criteria provided, single submitter. Criteria: Invitae Variant Classification Sherloc (09022015). Collection method: clinical testing. Allele origin: germline.
Comment: This sequence change replaces leucine, which is neutral and non-polar, with proline, which is neutral and non-polar, at codon 410 of the ZHX3 protein (p.Leu410Pro). This variant is present in population databases (rs144460022, gnomAD 0.03%). This variant has not been reported in the literature in individuals affected with ZHX3-related conditions. ClinVar contains an entry for this variant (Variation ID: 1505381). An algorithm developed to predict the effect of missense changes on protein structure and function (PolyPhen-2) suggests that this variant is likely to be disruptive. In summary, the available evidence is currently insufficient to determine the role of this variant in disease. Therefore, it has been classified as a Variant of Uncertain Significance.

Breakthrough Genomics
Classification: Uncertain significance. Review status: criteria provided, single submitter. Criteria: ACMG Guidelines, 2015. Collection method: not provided. Allele origin: germline. Inheritance: Autosomal dominant inheritance. Affected: yes.